The following is an entry in ClinVar:

NM_002485.5(NBN):c.2140C>T (p.Arg714Ter)

Gene: NBN (nibrin; minus strand). Cytogenetic location: 8q21.3.
Variant type: single nucleotide variant.
Coding change: c.2140C>T on transcript NM_002485.5 (MANE Select); coding-DNA position 2140, C replaced by T.
Protein change: p.Arg714Ter; replaces arginine 714 with a stop codon.
Molecular consequence: nonsense.
Genome position (GRCh38, 1-based): chr8:89,943,297, G>A on the plus strand (C>T on the coding strand, the complement: NBN is on the minus strand). VCF-style: chr8-89943297-G-A. GRCh37 (hg19) VCF-style: chr8-90955525-G-A.
Other names: p.R714*:CGA>TGA; c.1894C>T, p.Arg632Ter (NM_001024688.3); short protein forms R714*, R632*.
Identifiers: ClinVar variation 182737 (VCV000182737.42), dbSNP rs730881864, ClinGen allele CA299657.
Genomic context (GRCh38, chr8:89,943,297, plus strand): 5'-CTCACTTCCTACTAACCTCCATTTCCTGCCTTAGCCACTCTTCTAGTTCTGTATTCTTTC[G>A]AGCATGATGAGCTATTAGATCTGATCCTCCAATGATGTGTGGAAGTTTTCCTGCTCCAGG-3'

ClinVar aggregate classification (germline): Pathogenic/Likely pathogenic. Review status: criteria provided, multiple submitters, no conflicts (2 of 4 stars). 18 submissions from 18 submitters: Pathogenic (11); Likely pathogenic (4). 3 of the submissions do not count toward it. Last evaluated 2026-01-22.

Conditions:
Microcephaly, normal intelligence and immunodeficiency (NBS). Also called: IMMUNODEFICIENCY, MICROCEPHALY, AND CHROMOSOMAL INSTABILITY; SEEMANOVA SYNDROME II; Nijmegen breakage syndrome; Microcephaly with normal intelligence immunodeficiency and lymphoreticular malignancies; Nonsyndromal microcephaly autosomal recessive with normal intelligence; Seemanova syndrome 2. Identifiers: Orphanet 647, MedGen C0398791, MONDO:0009623, OMIM 251260.
Acute lymphoid leukemia (ALL). Also called: Acute lymphoblastic leukemia; Acute lymphocytic leukemia; Lymphoblastic leukemia; Leukemia, acute lymphoblastic, somatic. Identifiers: Orphanet 513, MedGen C0023449, MONDO:0004967, OMIM 613065, HP:0006721.
Aplastic anemia. Identifiers: Orphanet 182040, Orphanet 88, MedGen C0002874, MONDO:0015909, OMIM 609135, HP:0001915.
Hereditary cancer-predisposing syndrome. Also called: Tumor predisposition; Hereditary Cancer Syndrome; Hereditary neoplastic syndrome; Neoplastic Syndromes, Hereditary. Identifiers: Orphanet 140162, MedGen C0027672, MeSH D009386, MONDO:0015356.

Allele frequency attached by ClinVar (database versions not stated): gnomAD 0.00001; TOPMed 0.00003.
gnomAD v4.1: 34 of 1,613,316 alleles (0.0021%); highest among the groups gnomAD compares: South Asian, 0.0055%; no homozygotes.

Submissions 1 to 9 of 18:

Labcorp Genetics (formerly Invitae), Labcorp
Classification: Pathogenic for Microcephaly, normal intelligence and immunodeficiency. Last evaluated: 2026-01-22. Review status: criteria provided, single submitter. Criteria: Invitae Variant Classification Sherloc (09022015). Collection method: clinical testing. Allele origin: germline.
Comment: This sequence change creates a premature translational stop signal (p.Arg714*) in the NBN gene. It is expected to result in an absent or disrupted protein product. Loss-of-function variants in NBN are known to be pathogenic (PMID: 9590180, 16415040). This variant is present in population databases (rs730881864, gnomAD 0.01%). This premature translational stop signal has been observed in individual(s) with hereditary breast and/or ovarian cancer (PMID: 29470806). ClinVar contains an entry for this variant (Variation ID: 182737). For these reasons, this variant has been classified as Pathogenic.

Natera, Inc.
Classification: Likely pathogenic for Nijmegen breakage syndrome. Last evaluated: 2025-09-26. Review status: criteria provided, single submitter. Criteria: Natera Variant Classification Schema (03/2026). Collection method: clinical testing. Allele origin: germline.
Comment: The c.2140C>T variant in NBN is a nonsense variant predicted to introduce a stop codon at amino acid 714. This variant is expected to result in nonsense mediated decay, truncation, or a dysfunctional protein product. This variant is rare in the general population with a frequency below the threshold expected for the associated phenotype(s). Given the available evidence, this variant is classified as Likely Pathogenic.

ARUP Laboratories, Molecular Genetics and Genomics, ARUP Laboratories
Classification: Pathogenic. Last evaluated: 2024-08-01. Review status: criteria provided, single submitter. Criteria: ARUP Molecular Germline Variant Investigation Process 2024. Collection method: clinical testing. Allele origin: germline.
Comment: The NBN c.2140C>T; p.Arg714Ter variant (rs730881864, ClinVar Variation ID 182737) is reported in the literature in multiple cancer types including in individuals with neuroblastoma, pancreatic cancer, urothelial cancer and breast and/or ovarian cancers (Belhadj 2023, Bonfiglio 2023, Carlo 2020, Puccini 2022, Singh 2018). This variant is found in the general population with an overall allele frequency of 0.0023% (6/251258 alleles) in the Genome Aggregation Database (v2.1.1). This variant induces an early termination codon and is predicted to result in a truncated protein or mRNA subject to nonsense-mediated decay. Based on available information, this variant is considered to be pathogenic. References: Belhadj S et al. NBN Pathogenic Germline Variants are Associated with Pan-Cancer Susceptibility and In Vitro DNA Damage Response Defects. Clin Cancer Res. 2023 Jan 17. PMID: 36346689. Bonfiglio F et al. Inherited rare variants in homologous recombination and neurodevelopmental genes are associated with increased risk of neuroblastoma. EBioMedicine. 2023 Jan. PMID: 36493725. Carlo MI et al. Cancer Susceptibility Mutations in Patients With Urothelial Malignancies. J Clin Oncol. 2020 Feb 10. PMID: 31794323. Puccini A et al. Clinical Significance of Germline Pathogenic Variants among 51 Cancer Predisposition Genes in an Unselected Cohort of Italian Pancreatic Cancer Patients. Cancers (Basel). 2022 Sep 13. PMID: 36139606. Singh J et al. Screening of over 1000 Indian patients with breast and/or ovarian cancer with a multi-gene panel: prevalence of BRCA1/2 and non-BRCA mutations. Breast Cancer Res Treat. 2018 Jul. PMID: 29470806.

Genetic Services Laboratory, University of Chicago
Classification: Likely pathogenic. Last evaluated: 2024-05-16. Review status: criteria provided, single submitter. Criteria: ACMG Guidelines, 2015. Collection method: clinical testing. Allele origin: germline. Affected: yes.
Comment: DNA sequence analysis of the NBN gene demonstrated a sequence change, c.2140C>T, which results in the creation of a premature stop codon at amino acid position 714, p.Arg714*. This pathogenic sequence change is predicted to result in an abnormal transcript, which may be degraded, or may lead to the production of a truncated NBN protein with potentially abnormal function. This sequence change has been described in the gnomAD database with a frequency of 0.002% in the overall population (dbSNP rs730881864). This pathogenic sequence change has previously been described in several individuals with various cancers, including breast cancer (PMID: 29093764, 26681312, 29470806). Collectively, this evidence indicates that this sequence change is likely pathogenic, however functional studies have not been performed to prove this conclusively.

Baylor Genetics
Classification: Pathogenic for Aplastic anemia. Last evaluated: 2024-03-18. Review status: criteria provided, single submitter. Criteria: ACMG Guidelines, 2015. Collection method: clinical testing. Allele origin: unknown.

Laboratory of Medical Genetics, National & Kapodistrian University of Athens
Classification: Pathogenic for Microcephaly, normal intelligence and immunodeficiency. Last evaluated: 2024-02-01. Review status: criteria provided, single submitter. Criteria: ACMG Guidelines, 2015. Collection method: curation. Allele origin: germline. Affected: no.

Department of Pathology and Laboratory Medicine, Sinai Health System
Classification: Pathogenic for Microcephaly, normal intelligence and immunodeficiency; Aplastic anemia; Acute lymphoid leukemia. Last evaluated: 2023-10-30. Review status: criteria provided, single submitter. Criteria: ACMG Guidelines, 2015. Collection method: research. Allele origin: germline.

GeneDx
Classification: Likely pathogenic. Last evaluated: 2023-06-06. Review status: criteria provided, single submitter. Criteria: GeneDx Variant Classification Process June 2021. Collection method: clinical testing. Allele origin: germline. Affected: yes.
Comment: Nonsense variant predicted to result in protein truncation or nonsense mediated decay in a gene for which loss of function is a known mechanism of disease; Not observed at significant frequency in large population cohorts (gnomAD); Observed in individuals with breast, ovarian, or other cancer (Jian et al., 2017; Singh et al., 2018; Carlo et al., 2020; Fostira et al., 2020; Dorling et al., 2021; Puccini et al., 2022; Anacleiro et al., 2023); This variant is associated with the following publications: (PMID: 31159747, 29922827, 29093764, 29470806, 30676620, 34426522, 29625052, 31589614, 33630411, 26681312, 37065479, 31300551, 36139606, 35833951, 33804961, 31794323, 33471991, 27535533, Ayaz2022[article])

Neuberg Centre For Genomic Medicine, NCGM
Classification: Pathogenic for Microcephaly, normal intelligence and immunodeficiency. Last evaluated: 2023-05-20. Review status: criteria provided, single submitter. Criteria: ACMG Guidelines, 2015. Collection method: clinical testing. Allele origin: germline. Inheritance: Autosomal recessive inheritance. Affected: yes.
Comment: The observed stop gained variant c.2140C>T(p.Arg714Ter) in NBN gene has been reported previously in homozygous and heterozygous state in individuals with Nijmegen breakage syndrome (NBS), breast cancer and/or ovarian cancer (Jian W, et al., 2017, Carlo MI, et al., 2020). The c.2140C>T variant has 0.002% allele frequency in gnomAD Exomes. This variant has been submitted to the ClinVar database as Likely Pathogenic / Pathogenic (Multiple submissions). Computational evidence (Mutation Taster - Disease causing) predicts damaging effect on protein structure and function for this variant. This variant is predicted to cause loss of normal protein function through protein truncation. Loss of function variants have been previously reported to be disease causing (Varon R, et al., 2006). For these reasons, this variant has been classified as Pathogenic. In the absence of another reportable variant, the molecular diagnosis is not confirmed.